The following is an entry in ClinVar:

NM_003036.4(SKI):c.1328C>T (p.Pro443Leu)

Gene: SKI (SKI proto-oncogene; plus strand). Cytogenetic location: 1p36.32.
Variant type: single nucleotide variant.
Coding change: c.1328C>T on transcript NM_003036.4 (MANE Select); coding-DNA position 1328, C replaced by T.
Protein change: p.Pro443Leu; replaces proline 443 with leucine.
Molecular consequence: missense variant.
Genome position (GRCh38, 1-based): chr1:2,303,956, C>T. VCF-style: chr1-2303956-C-T. GRCh37 (hg19) VCF-style: chr1-2235395-C-T.
Other names: short protein forms P443L.
Identifiers: ClinVar variation 1028068 (VCV001028068.1), dbSNP rs1640493986, ClinGen allele CA337955230.

ClinVar aggregate classification (germline): Uncertain significance (1 of 4 stars; one submission).

Conditions:
Shprintzen-Goldberg syndrome (SGS). Also called: Marfanoid disorder with craniosynostosis type 1; Marfanoid craniosynostosis syndrome; Shprintzen-Goldberg marfanoid syndrome; SHPRINTZEN-GOLDBERG CRANIOSYNOSTOSIS SYNDROME; CRANIOSYNOSTOSIS WITH ARACHNODACTYLY AND ABDOMINAL HERNIAS. Identifiers: Orphanet 2462, MedGen C1321551, MONDO:0008426, OMIM 182212.

gnomAD v4.1: 1 of 1,612,068 alleles (0.000062%); highest among the groups gnomAD compares: Middle Eastern, 0.017%; no homozygotes.

Submission:

Baylor Genetics
Classification: Uncertain significance for Shprintzen-Goldberg syndrome. Last evaluated: 2020-06-03. Review status: criteria provided, single submitter. Criteria: ACMG Guidelines, 2015. Collection method: clinical testing. Allele origin: unknown. Affected: yes.
Comment: This variant was determined to be of uncertain significance according to ACMG Guidelines, 2015 [PMID:25741868].